The following is an entry in ClinVar:

ClinVar aggregate classification (germline): Conflicting classifications of pathogenicity. Review status: criteria provided, conflicting classifications (1 of 4 stars). 5 submissions from 5 submitters: Uncertain significance (2); Likely benign (3). Last evaluated 2026-02-02.

Conditions:
CFTR-related disorder (CFTR-RD). Also called: CFTR-related condition; CFTR-related disorders. Identifiers: MedGen C5924204, MONDO:7770004.
Cystic fibrosis (CF). Also called: MUCOVISCIDOSIS. Identifiers: Orphanet 586, MedGen C0010674, MONDO:0009061, OMIM 219700. Disease mechanism: loss of function.

Allele frequency attached by ClinVar (database versions not stated): TOPMed below 0.00001; gnomAD 0.00002; gnomAD exomes 0.00005 and 0.00009; ESP Exome Variant Server 0.00008; ExAC 0.00009; 1000 Genomes Project 0.00060; 1000 Genomes Project 30x 0.00062.
gnomAD v4.1: 70 of 1,466,678 alleles (0.0048%); highest among the groups gnomAD compares: South Asian, 0.077%; no homozygotes.

Submissions (5):

PreventionGenetics, part of Exact Sciences
Classification: Likely benign for CFTR-related condition. Last evaluated: 2026-02-02. Review status: criteria provided, single submitter. Criteria: ACMG Guidelines, 2015. Collection method: clinical testing. Allele origin: germline.
Comment: This variant is classified as likely benign based on ACMG/AMP sequence variant interpretation guidelines (Richards et al. 2015 PMID: 25741868, with internal and published modifications).

CeGaT Center for Human Genetics Tuebingen
Classification: Uncertain significance. Last evaluated: 2026-02-01. Review status: criteria provided, single submitter. Criteria: CeGaT Center For Human Genetics Tuebingen Variant Classification Criteria Version 2. Collection method: clinical testing. Allele origin: germline. Affected: yes. Observed: 1 variant allele.
Comment: CFTR: PM2, BP4

Labcorp Genetics (formerly Invitae), Labcorp
Classification: Likely benign for Cystic fibrosis. Last evaluated: 2026-01-25. Review status: criteria provided, single submitter. Criteria: Invitae Variant Classification Sherloc (09022015). Collection method: clinical testing. Allele origin: germline.

Women's Health and Genetics/Laboratory Corporation of America, LabCorp
Classification: Likely benign. Last evaluated: 2025-04-22. Review status: criteria provided, single submitter. Criteria: LabCorp Variant Classification Summary - May 2015. Collection method: clinical testing. Allele origin: germline.
Comment: Variant summary: CFTR c.2909-6T>C alters a conserved nucleotide located at a position not widely known to affect splicing. Consensus agreement among computation tools predict no significant impact on normal splicing. However, these predictions have yet to be confirmed by functional studies. The variant allele was found at a frequency of 9.2e-05 in 250796 control chromosomes. This frequency is not significantly higher than estimated for a pathogenic variant in CFTR causing Chronic Pancreatitis Risk (9.2e-05 vs 0.0063), allowing no conclusion about variant significance. c.2909-6T>C has been reported in the literature and has been classified as Benign (e.g., Ridge_2013). To our knowledge, no experimental evidence demonstrating an impact on protein function has been reported. The following publication has been ascertained in the context of this evaluation (PMID: 23343000). ClinVar contains an entry for this variant (Variation ID: 704432). Based on the evidence outlined above, the variant was classified as likely benign.

Blueprint Genetics
Classification: Uncertain significance. Last evaluated: 2022-07-26. Review status: criteria provided, single submitter. Criteria: ACMG Guidelines, 2015. Collection method: clinical testing. Allele origin: germline.

Literature cited by the submitters: PubMed 23343000 (cited by Women's Health and Genetics/Laboratory Corporation of America, LabCorp).

NM_000492.4(CFTR):c.2909-6T>C

Genes: CFTR (CF transmembrane conductance regulator; plus strand), CFTR-AS2 (CFTR antisense RNA 2; minus strand). Cytogenetic location: 7q31.2.
Variant type: single nucleotide variant.
Coding change: c.2909-6T>C on transcript NM_000492.4 (MANE Select); 6 bases into the intron before coding-DNA position 2909, T replaced by C.
Molecular consequence: intron variant.
Genome position (GRCh38, 1-based): chr7:117,606,668, T>C. VCF-style: chr7-117606668-T-C. GRCh37 (hg19) VCF-style: chr7-117246722-T-C.
Identifiers: ClinVar variation 704432 (VCV000704432.20), dbSNP rs369612622, ClinGen allele CA4451326.